The following is an entry in ClinVar:

NM_001387430.1(SH2B1):c.1898-195C>T

Gene: SH2B1 (SH2B adaptor protein 1; plus strand). Cytogenetic location: 16p11.2.
Variant type: single nucleotide variant.
Coding change: c.1898-195C>T on transcript NM_001387430.1 (MANE Select); 195 bases into the intron before coding-DNA position 1898, C replaced by T.
Molecular consequence: intron variant. On other transcripts: synonymous variant (4), missense variant (1).
Genome position (GRCh38, 1-based): chr16:28,873,252, C>T. VCF-style: chr16-28873252-C-T. GRCh37 (hg19) VCF-style: chr16-28884573-C-T.
Other names: c.1980C>T, p.Phe660= (NM_001145796.2, NM_001145812.2, NM_015503.3); c.2033C>T, p.Ser678Leu (NM_001145797.2); c.972C>T, p.Phe324= (NM_001308294.2); c.1898-195C>T (NM_001308293.2, NM_001387404.1, NM_001145795.2); short protein forms S678L.
Identifiers: ClinVar variation 3355460 (VCV003355460.2).

ClinVar aggregate classification (germline): Uncertain significance (1 of 4 stars; one submission).

Conditions:
SH2B1-related disorder. Also called: SH2B1-related condition.

gnomAD v4.1: 5 of 1,607,710 alleles (0.00031%); highest among the groups gnomAD compares: Middle Eastern, 0.017%; no homozygotes.

Submission:

PreventionGenetics, part of Exact Sciences
Classification: Uncertain significance for SH2B1-related condition. Last evaluated: 2026-05-27. Review status: criteria provided, single submitter. Criteria: ACMG Guidelines, 2015. Collection method: clinical testing. Allele origin: germline.
Comment: The SH2B1 c.2033C>T variant is predicted to result in the amino acid substitution p.Ser678Leu. To our knowledge, this variant has not been reported in the literature. This variant is reported in 0.0055% of alleles in individuals of East Asian descent in gnomAD. At this time, the clinical significance of this variant is uncertain due to the absence of conclusive functional and genetic evidence.